The following is an entry in ClinVar:

ClinVar aggregate classification (germline): Uncertain significance (1 of 4 stars; one submission).

Conditions:
Koolen-de Vries syndrome (KDVS). Identifiers: Orphanet 96169, MedGen C1864871, MONDO:0012496, OMIM 610443.

Submission:

Labcorp Genetics (formerly Invitae), Labcorp
Classification: Uncertain significance for Koolen-de Vries syndrome. Last evaluated: 2022-11-02. Review status: criteria provided, single submitter. Criteria: Invitae Variant Classification Sherloc (09022015). Collection method: clinical testing. Allele origin: germline.
Comment: This variant has not been reported in the literature in individuals affected with KANSL1-related conditions. In summary, the available evidence is currently insufficient to determine the role of this variant in disease. Therefore, it has been classified as a Variant of Uncertain Significance. Advanced modeling of protein sequence and biophysical properties (such as structural, functional, and spatial information, amino acid conservation, physicochemical variation, residue mobility, and thermodynamic stability) performed at Invitae indicates that this missense variant is not expected to disrupt KANSL1 protein function. This variant is not present in population databases (gnomAD no frequency). This sequence change replaces glutamic acid, which is acidic and polar, with lysine, which is basic and polar, at codon 489 of the KANSL1 protein (p.Glu489Lys).

NM_015443.4(KANSL1):c.1465G>A (p.Glu489Lys)

Gene: KANSL1 (KAT8 regulatory NSL complex subunit 1). Cytogenetic location: 17q21.31.
Variant type: single nucleotide variant.
Coding change: c.1465G>A on transcript NM_015443.4 (MANE Select); coding-DNA position 1465, G replaced by A.
Protein change: p.Glu489Lys; replaces glutamic acid 489 with lysine.
Molecular consequence: missense variant. On other transcripts: intron variant (4).
Genome position (GRCh38, 1-based): chr17:46,082,509, C>T on the plus strand (G>A on the coding strand, the complement: KANSL1 is on the minus strand). VCF-style: chr17-46082509-C-T. GRCh37 (hg19) VCF-style: chr17-44159875-C-T.
Other names: c.1465G>A, p.Glu489Lys (NM_001193465.2, NM_001193466.2, NM_001379198.1 and 14 more transcripts); c.199G>A, p.Glu67Lys (NM_001405882.1, NM_001405883.1, NM_001405884.1 and 1 more transcripts); c.1431+12051G>A (NM_001405881.1, NM_001405861.1, NM_001405859.1 and 1 more transcripts); short protein forms E489K, E67K.
Identifiers: ClinVar variation 2875992 (VCV002875992.3), dbSNP rs2544353406, ClinGen allele CA399993326.